The following is an entry in ClinVar:

ClinVar aggregate classification (germline): Uncertain significance (1 of 4 stars; one submission).

Conditions:
Congenital heart defects, multiple types, 7. Identifiers: MedGen C5394062, MONDO:0032913, OMIM 618780.

gnomAD v4.1: 3 of 1,612,806 alleles (0.00019%); highest among the groups gnomAD compares: Admixed American, 0.0017%; no homozygotes.

Submission:

Regional Center For Medical Genetics Timis, Louis Turcanu Emergency Hospital for Children Timisoara
Classification: Uncertain significance for Congenital heart defects, multiple types, 7. Last evaluated: 2025-04-29. Review status: criteria provided, single submitter. Criteria: ACMG Guidelines, 2015. Collection method: clinical testing. Allele origin: germline. Affected: yes.
Comment: The variant is present in the healthy population in heterozygous state, with the highest frequency observed in the American population (gnomAD v4.1.0, allele frequency = 0.00001667), suggesting the possibility of incomplete penetrance. The variant is located within the VEGFR1-3_N_Ig-like immunoglobulin domain, a mutational hotspot for Tetralogy of Fallot. The FLT4 gene is known to be less tolerant to missense variation. To our knowledge, this variant has not been previously reported in the literature. In silico predictions are inconclusive. Based on the available evidence, this variant is classified as of uncertain significance (VUS).

NM_182925.5(FLT4):c.394G>A (p.Val132Met)

Gene: FLT4 (fms related receptor tyrosine kinase 4; minus strand). Cytogenetic location: 5q35.3.
Variant type: single nucleotide variant.
Coding change: c.394G>A on transcript NM_182925.5 (MANE Select); coding-DNA position 394, G replaced by A.
Protein change: p.Val132Met; replaces valine 132 with methionine.
Molecular consequence: missense variant.
Genome position (GRCh38, 1-based): chr5:180,630,561, C>T on the plus strand (G>A on the coding strand, the complement: FLT4 is on the minus strand). VCF-style: chr5-180630561-C-T. GRCh37 (hg19) VCF-style: chr5-180057561-C-T.
Other names: c.394G>A, p.Val132Met (NM_001354989.2, NM_002020.5); short protein forms V132M.
Identifiers: ClinVar variation 4526639 (VCV004526639.1).